The following is an entry in ClinVar:

ClinVar aggregate classification (germline): Conflicting classifications of pathogenicity. Review status: criteria provided, conflicting classifications (1 of 4 stars). 6 submissions from 6 submitters: Uncertain significance (4); Likely benign (2). Last evaluated 2026-01-16.

Conditions:
Auditory neuropathy, autosomal dominant 3 (AUNA3). Identifiers: MedGen C5676964, MONDO:0859235, OMIM 619832.
Arrhythmogenic right ventricular dysplasia 5. Also called: Arrhythmogenic Right Ventricular Dysplasia/Cardiomyopathy 5; ARRHYTHMOGENIC RIGHT VENTRICULAR DYSPLASIA, FAMILIAL, 5. Identifiers: MedGen C1858379, MONDO:0011459, OMIM 604400.
Emery-Dreifuss muscular dystrophy 7, autosomal dominant (EDMD7). Also called: Emery-Dreifuss muscular dystrophy 7, AD. Identifiers: Orphanet 261, MedGen C3553060, MONDO:0013677, OMIM 614302.
Cardiovascular phenotype. Identifiers: MedGen CN230736.
Cardiomyopathy (CMYO). Also called: Cardiomyopathies. Identifiers: Orphanet 167848, MedGen C0878544, MONDO:0004994, HP:0001638. Inheritance: Various modes of inheritance.

Allele frequency attached by ClinVar (database versions not stated): ESP Exome Variant Server 0.00008; TOPMed 0.00009; gnomAD exomes 0.00002 and 0.00004; gnomAD 0.00006; ExAC 0.00007.
gnomAD v4.1: 33 of 1,613,362 alleles (0.002%); highest among the groups gnomAD compares: African/African-American, 0.011%; no homozygotes.

Submissions (6):

Labcorp Genetics (formerly Invitae), Labcorp
Classification: Uncertain significance for Arrhythmogenic right ventricular dysplasia 5. Last evaluated: 2026-01-16. Review status: criteria provided, single submitter. Criteria: Invitae Variant Classification Sherloc (09022015). Collection method: clinical testing. Allele origin: germline.
Comment: This sequence change replaces arginine, which is basic and polar, with glutamine, which is neutral and polar, at codon 266 of the TMEM43 protein (p.Arg266Gln). This variant is present in population databases (rs193922707, gnomAD 0.03%). This variant has not been reported in the literature in individuals affected with TMEM43-related conditions. ClinVar contains an entry for this variant (Variation ID: 36872). Invitae Evidence Modeling of protein sequence and biophysical properties (such as structural, functional, and spatial information, amino acid conservation, physicochemical variation, residue mobility, and thermodynamic stability) indicates that this missense variant is not expected to disrupt TMEM43 protein function with a negative predictive value of 80%. In summary, the available evidence is currently insufficient to determine the role of this variant in disease. Therefore, it has been classified as a Variant of Uncertain Significance.

Women's Health and Genetics/Laboratory Corporation of America, LabCorp
Classification: Likely benign. Last evaluated: 2025-09-22. Review status: criteria provided, single submitter. Criteria: LabCorp Variant Classification Summary - May 2015. Collection method: clinical testing. Allele origin: germline.
Comment: Variant summary: TMEM43 c.797G>A (p.Arg266Gln) results in a conservative amino acid change in the encoded protein sequence. Algorithms developed to predict the effect of missense changes on protein structure and function are either unavailable or do not agree on the potential impact of this missense change. The variant allele was found at a frequency of 4.4e-05 in 249984 control chromosomes (gnomAD). The observed variant frequency exceeds the estimated maximal expected allele frequency for disease-causing variants in TMEM43. These data do not allow any conclusion about variant significance. To our knowledge, no experimental evidence demonstrating an impact on protein function has been reported. ClinVar contains an entry for this variant (Variation ID: 36872). Based on the evidence outlined above, the variant was classified as likely benign.

GeneDx
Classification: Uncertain significance. Last evaluated: 2024-06-07. Review status: criteria provided, single submitter. Criteria: GeneDx Variant Classification Process June 2021. Collection method: clinical testing. Allele origin: germline.
Comment: Has not been previously published as pathogenic or benign to our knowledge; In silico analysis indicates that this missense variant does not alter protein structure/function

Color Diagnostics, LLC DBA Color Health
Classification: Uncertain significance for Cardiomyopathy. Last evaluated: 2024-02-28. Review status: criteria provided, single submitter. Criteria: ACMG Guidelines, 2015. Collection method: clinical testing. Allele origin: germline.
Comment: This missense variant replaces arginine with glutamine at codon 266 of the TMEM43 protein. Computational prediction suggests that this variant may not impact protein structure and function. To our knowledge, functional studies have not been reported for this variant. This variant has not been reported in individuals affected with TMEM43-related disorders in the literature. This variant has been identified in 15/281002 chromosomes in the general population by the Genome Aggregation Database (gnomAD). The available evidence is insufficient to determine the role of this variant in disease conclusively. Therefore, this variant is classified as a Variant of Uncertain Significance.

Ambry Genetics
Classification: Likely benign for Cardiovascular phenotype. Last evaluated: 2024-02-06. Review status: criteria provided, single submitter. Criteria: Ambry Variant Classification Scheme 2023. Collection method: clinical testing. Allele origin: germline.

Fulgent Genetics
Classification: Uncertain significance for Arrhythmogenic right ventricular dysplasia 5; Emery-Dreifuss muscular dystrophy 7, autosomal dominant; Auditory neuropathy, autosomal dominant 3. Last evaluated: 2021-08-02. Review status: criteria provided, single submitter. Criteria: ACMG Guidelines, 2015. Collection method: clinical testing. Allele origin: unknown.

NM_024334.3(TMEM43):c.797G>A (p.Arg266Gln)

Gene: TMEM43 (transmembrane protein 43; plus strand). Cytogenetic location: 3p25.1.
Variant type: single nucleotide variant.
Coding change: c.797G>A on transcript NM_024334.3 (MANE Select); coding-DNA position 797, G replaced by A.
Protein change: p.Arg266Gln; replaces arginine 266 with glutamine.
Molecular consequence: missense variant.
Genome position (GRCh38, 1-based): chr3:14,135,823, G>A. VCF-style: chr3-14135823-G-A. GRCh37 (hg19) VCF-style: chr3-14177323-G-A.
Other names: short protein forms R266Q.
Identifiers: ClinVar variation 36872 (VCV000036872.18), dbSNP rs193922707, ClinGen allele CA024760.
Genomic context (GRCh38, chr3:14,135,823, plus strand): 5'-CCCGCTGGTCACCCCTCAGCTCTAACACCAGGTCCTCTGACCAGGTCACTGTGATTGCCC[G>A]GCAGCGGGGTGACCAGCTAGTCCCATTCTCCACCAAGTCTGGGGATACCTTACTGCTCCT-3'
Protein context (NP_077310.1, residues 256-276): GPAHVVTVIA[Arg266Gln]QRGDQLVPFS